The following is an entry in ClinVar:

NM_002692.4(POLE2):c.1279T>C (p.Cys427Arg)

Gene: POLE2 (DNA polymerase epsilon 2, accessory subunit; minus strand). Cytogenetic location: 14q21.3.
Variant type: single nucleotide variant.
Coding change: c.1279T>C on transcript NM_002692.4 (MANE Select); coding-DNA position 1279, T replaced by C.
Protein change: p.Cys427Arg; replaces cysteine 427 with arginine.
Molecular consequence: missense variant.
Genome position (GRCh38, 1-based): chr14:49,651,310, A>G on the plus strand (T>C on the coding strand, the complement: POLE2 is on the minus strand). VCF-style: chr14-49651310-A-G. GRCh37 (hg19) VCF-style: chr14-50118028-A-G.
Other names: c.1201T>C, p.Cys401Arg (NM_001197330.2); c.1279T>C, p.Cys427Arg (NM_001197331.3); c.1276T>C, p.Cys426Arg (NM_001348384.2); c.1048T>C, p.Cys350Arg (NM_001348385.2); short protein forms C350R, C401R, C427R, C426R.
Identifiers: ClinVar variation 1377672 (VCV001377672.6), dbSNP rs1476086617, ClinGen allele CA389637487.

ClinVar aggregate classification (germline): Uncertain significance (1 of 4 stars; one submission).

Allele frequency attached by ClinVar (database versions not stated): gnomAD exomes below 0.00001.
gnomAD v4.1: 2 of 1,605,428 alleles (0.00012%); highest among the groups gnomAD compares: South Asian, 0.0011%; no homozygotes.

Submission:

Labcorp Genetics (formerly Invitae), Labcorp
Classification: Uncertain significance. Last evaluated: 2021-08-30. Review status: criteria provided, single submitter. Criteria: Invitae Variant Classification Sherloc (09022015). Collection method: clinical testing. Allele origin: germline.
Comment: This sequence change replaces cysteine with arginine at codon 427 of the POLE2 protein (p.Cys427Arg). The cysteine residue is moderately conserved and there is a large physicochemical difference between cysteine and arginine. This variant is not present in population databases (ExAC no frequency). This variant has not been reported in the literature in individuals affected with POLE2-related conditions. Algorithms developed to predict the effect of missense changes on protein structure and function are either unavailable or do not agree on the potential impact of this missense change (SIFT: "Tolerated"; PolyPhen-2: "Probably Damaging"; Align-GVGD: "Class C0"). In summary, the available evidence is currently insufficient to determine the role of this variant in disease. Therefore, it has been classified as a Variant of Uncertain Significance.